The following is an entry in ClinVar:

NM_145064.3(STAC3):c.419G>C (p.Cys140Ser)

Gene: STAC3 (SH3 and cysteine rich domain 3; minus strand). Cytogenetic location: 12q13.3.
Variant type: single nucleotide variant.
Coding change: c.419G>C on transcript NM_145064.3 (MANE Select); coding-DNA position 419, G replaced by C.
Protein change: p.Cys140Ser; replaces cysteine 140 with serine.
Molecular consequence: missense variant. On other transcripts: intron variant (1).
Genome position (GRCh38, 1-based): chr12:57,248,719, C>G on the plus strand (G>C on the coding strand, the complement: STAC3 is on the minus strand). VCF-style: chr12-57248719-C-G. GRCh37 (hg19) VCF-style: chr12-57642502-C-G.
Other names: c.302G>C, p.Cys101Ser (NM_001286256.2); c.-126-521G>C (NM_001286257.2); short protein forms C101S, C140S.
Identifiers: ClinVar variation 1501296 (VCV001501296.8), dbSNP rs779015879, ClinGen allele CA385415769.

ClinVar aggregate classification (germline): Uncertain significance (1 of 4 stars; one submission).

Conditions:
Bailey-Bloch congenital myopathy (CMYO13). Also called: Native American myopathy; Congenital myopathy 13; STAC3 disorder. Identifiers: Orphanet 168572, MedGen C1850625, MONDO:0009722, OMIM 255995.

gnomAD v4.1: 1 of 1,613,956 alleles (0.000062%); no homozygotes.

Submission:

Labcorp Genetics (formerly Invitae), Labcorp
Classification: Uncertain significance for Bailey-Bloch congenital myopathy. Last evaluated: 2021-06-04. Review status: criteria provided, single submitter. Criteria: Invitae Variant Classification Sherloc (09022015). Collection method: clinical testing. Allele origin: germline.
Comment: This sequence change replaces cysteine with serine at codon 140 of the STAC3 protein (p.Cys140Ser). The cysteine residue is highly conserved and there is a moderate physicochemical difference between cysteine and serine. This variant is not present in population databases (ExAC no frequency). This variant has not been reported in the literature in individuals with STAC3-related conditions. Algorithms developed to predict the effect of missense changes on protein structure and function (SIFT, PolyPhen-2, Align-GVGD) all suggest that this variant is likely to be disruptive, but these predictions have not been confirmed by published functional studies and their clinical significance is uncertain. In summary, the available evidence is currently insufficient to determine the role of this variant in disease. Therefore, it has been classified as a Variant of Uncertain Significance.